The following is an entry in ClinVar:

NM_001318734.2(KLC2):c.418A>G (p.Met140Val)

Genes: KLC2 (kinesin light chain 2; plus strand), KLC2-AS1 (KLC2 antisense RNA 1; minus strand). Cytogenetic location: 11q13.2.
Variant type: single nucleotide variant.
Coding change: c.418A>G on transcript NM_001318734.2 (MANE Select); coding-DNA position 418, A replaced by G.
Protein change: p.Met140Val; replaces methionine 140 with valine.
Molecular consequence: missense variant. On other transcripts: non-coding transcript variant (1), intron variant (1).
Genome position (GRCh38, 1-based): chr11:66,261,931, A>G. VCF-style: chr11-66261931-A-G. GRCh37 (hg19) VCF-style: chr11-66029402-A-G.
Other names: c.418A>G, p.Met140Val (NM_001134775.2, NM_001134776.2, NM_022822.3); c.229-192A>G (NM_001134774.2); short protein forms M140V.
Identifiers: ClinVar variation 3534781 (VCV003534781.3).

ClinVar aggregate classification (germline): Uncertain significance. Review status: criteria provided, multiple submitters, no conflicts (2 of 4 stars). 2 submissions from 2 submitters: Uncertain significance (2). Last evaluated 2025-12-21.

Submissions (2):

Labcorp Genetics (formerly Invitae), Labcorp
Classification: Uncertain significance. Last evaluated: 2025-12-21. Review status: criteria provided, single submitter. Criteria: Invitae Variant Classification Sherloc (09022015). Collection method: clinical testing. Allele origin: germline.
Comment: This sequence change replaces methionine, which is neutral and non-polar, with valine, which is neutral and non-polar, at codon 140 of the KLC2 protein (p.Met140Val). This variant is present in population databases (rs145211775, gnomAD 0.01%). This variant has not been reported in the literature in individuals affected with KLC2-related conditions. ClinVar contains an entry for this variant (Variation ID: 3534781). An algorithm developed to predict the effect of missense changes on protein structure and function (PolyPhen-2) suggests that this variant is likely to be tolerated. In summary, the available evidence is currently insufficient to determine the role of this variant in disease. Therefore, it has been classified as a Variant of Uncertain Significance.

Ambry Genetics
Classification: Uncertain significance. Last evaluated: 2024-07-10. Review status: criteria provided, single submitter. Criteria: Ambry Variant Classification Scheme 2023. Collection method: clinical testing. Allele origin: germline.